The following is an entry in ClinVar:

NM_006593.4(TBR1):c.1195T>C (p.Tyr399His)

Gene: TBR1 (T-box brain transcription factor 1; plus strand). Cytogenetic location: 2q24.2.
Variant type: single nucleotide variant.
Coding change: c.1195T>C on transcript NM_006593.4 (MANE Select); coding-DNA position 1195, T replaced by C.
Protein change: p.Tyr399His; replaces tyrosine 399 with histidine.
Molecular consequence: missense variant.
Genome position (GRCh38, 1-based): chr2:161,423,373, T>C. VCF-style: chr2-161423373-T-C. GRCh37 (hg19) VCF-style: chr2-162279884-T-C.
Other names: short protein forms Y399H.
Identifiers: ClinVar variation 5009595 (VCV005009595.1).

ClinVar aggregate classification (germline): Uncertain significance (1 of 4 stars; one submission).

Submission:

GeneDx
Classification: Uncertain significance. Last evaluated: 2026-03-21. Review status: criteria provided, single submitter. Criteria: GeneDx Variant Classification Process June 2021. Collection method: clinical testing. Allele origin: germline.
Comment: Not observed at significant frequency in large population cohorts (gnomAD); In silico analysis suggests that this missense variant does not alter protein structure/function; Has not been previously published as pathogenic or benign to our knowledge